The following is an entry in ClinVar:

ClinVar aggregate classification (germline): Uncertain significance (1 of 4 stars; one submission).

Conditions:
Charcot-Marie-Tooth disease type 4. Also called: Charcot-Marie-Tooth disease, type IV; Charcot-Marie-Tooth, Type 4. Identifiers: Orphanet 64749, MedGen C4082197, MONDO:0018995.

Allele frequency attached by ClinVar (database versions not stated): gnomAD exomes below 0.00001; TOPMed below 0.00001; gnomAD 0.00001.
gnomAD v4.1: 2 of 1,612,944 alleles (0.00012%); highest among the groups gnomAD compares: Non-Finnish European, 0.00017%; no homozygotes.

Submission:

Labcorp Genetics (formerly Invitae), Labcorp
Classification: Uncertain significance for Charcot-Marie-Tooth disease type 4. Last evaluated: 2022-08-09. Review status: criteria provided, single submitter. Criteria: Invitae Variant Classification Sherloc (09022015). Collection method: clinical testing. Allele origin: germline.
Comment: In summary, the available evidence is currently insufficient to determine the role of this variant in disease. Therefore, it has been classified as a Variant of Uncertain Significance. Algorithms developed to predict the effect of sequence changes on RNA splicing suggest that this variant may create or strengthen a splice site. Algorithms developed to predict the effect of missense changes on protein structure and function are either unavailable or do not agree on the potential impact of this missense change (SIFT: "Deleterious"; PolyPhen-2: "Possibly Damaging"; Align-GVGD: "Class C0"). ClinVar contains an entry for this variant (Variation ID: 1046904). This variant has not been reported in the literature in individuals affected with PRX-related conditions. This variant is present in population databases (no rsID available, gnomAD 0.0009%). This sequence change replaces leucine, which is neutral and non-polar, with arginine, which is basic and polar, at codon 1094 of the PRX protein (p.Leu1094Arg).

NM_181882.3(PRX):c.3281T>G (p.Leu1094Arg)

Gene: PRX (periaxin; minus strand). Cytogenetic location: 19q13.2.
Variant type: single nucleotide variant.
Coding change: c.3281T>G on transcript NM_181882.3 (MANE Select); coding-DNA position 3281, T replaced by G.
Protein change: p.Leu1094Arg; replaces leucine 1094 with arginine.
Molecular consequence: missense variant. On other transcripts: 3 prime UTR variant (1).
Genome position (GRCh38, 1-based): chr19:40,395,071, A>C on the plus strand (T>G on the coding strand, the complement: PRX is on the minus strand). VCF-style: chr19-40395071-A-C. GRCh37 (hg19) VCF-style: chr19-40900978-A-C.
Other names: c.*3486T>G (NM_020956.2); short protein forms L1094R.
Identifiers: ClinVar variation 1046904 (VCV001046904.8), dbSNP rs1270740440, ClinGen allele CA405894577.
Genomic context (GRCh38, chr19:40,395,071, plus strand): 5'-CCCTCTGCCCTCCCTTCCTCCTGGGCGCCCAGCGTGACCAGCTCCACCTCGGGGATCTTA[A>C]GCTGCACAGCGGTGGACTCAGCCTTTTCCCCCGGGCTGGCACGATCACCTTGAACTTCTG-3'
Protein context (NP_870998.2, residues 1084-1104): GEKAESTAVQ[Leu1094Arg]KIPEVELVTL